The following is an entry in ClinVar:

ClinVar aggregate classification (germline): Uncertain significance. Review status: criteria provided, multiple submitters, no conflicts (2 of 4 stars). 2 submissions from 2 submitters: Uncertain significance (2). Last evaluated 2023-01-24.

Conditions:
Inborn genetic diseases. Identifiers: MedGen C0950123, MeSH D030342.

gnomAD v4.1: 15 of 1,613,036 alleles (0.00093%); highest among the groups gnomAD compares: Admixed American, 0.018%; 1 homozygote.

Submissions (2):

Ambry Genetics
Classification: Uncertain significance for Inborn genetic diseases. Last evaluated: 2023-01-24. Review status: criteria provided, single submitter. Criteria: Ambry Variant Classification Scheme 2023. Collection method: clinical testing. Allele origin: germline.

Labcorp Genetics (formerly Invitae), Labcorp
Classification: Uncertain significance. Last evaluated: 2022-10-05. Review status: criteria provided, single submitter. Criteria: Invitae Variant Classification Sherloc (09022015). Collection method: clinical testing. Allele origin: germline.
Comment: This sequence change replaces alanine, which is neutral and non-polar, with serine, which is neutral and polar, at codon 267 of the P3H2 protein (p.Ala267Ser). This variant is not present in population databases (gnomAD no frequency). This variant has not been reported in the literature in individuals affected with P3H2-related conditions. ClinVar contains an entry for this variant (Variation ID: 1449593). Advanced modeling of protein sequence and biophysical properties (such as structural, functional, and spatial information, amino acid conservation, physicochemical variation, residue mobility, and thermodynamic stability) performed at Invitae indicates that this missense variant is not expected to disrupt P3H2 protein function. In summary, the available evidence is currently insufficient to determine the role of this variant in disease. Therefore, it has been classified as a Variant of Uncertain Significance.

NM_018192.4(P3H2):c.799G>T (p.Ala267Ser)

Gene: P3H2 (prolyl 3-hydroxylase 2; minus strand). Cytogenetic location: 3q28.
Variant type: single nucleotide variant.
Coding change: c.799G>T on transcript NM_018192.4 (MANE Select); coding-DNA position 799, G replaced by T.
Protein change: p.Ala267Ser; replaces alanine 267 with serine.
Molecular consequence: missense variant.
Genome position (GRCh38, 1-based): chr3:189,994,118, C>A on the plus strand (G>T on the coding strand, the complement: P3H2 is on the minus strand). VCF-style: chr3-189994118-C-A. GRCh37 (hg19) VCF-style: chr3-189711907-C-A.
Other names: c.256G>T, p.Ala86Ser (NM_001134418.2); c.799G>T (NM_018192.3); short protein forms A86S, A267S.
Identifiers: ClinVar variation 1449593 (VCV001449593.4), dbSNP rs779423721, ClinGen allele CA89741494.